The following is an entry in ClinVar:

NM_001126108.2(SLC12A3):c.2912del (p.Ala971fs)

Gene: SLC12A3 (solute carrier family 12 member 3; plus strand). Cytogenetic location: 16q13.
Variant type: Deletion.
Coding change: c.2912del on transcript NM_001126108.2 (MANE Select); coding-DNA position 2912, one base deleted (C; older notation c.2912delC).
Protein change: p.Ala971fs; shifts the reading frame from alanine 971.
Molecular consequence: frameshift variant.
Genome position (GRCh38, 1-based): chr16:56,904,450, C deleted. VCF-style (leftmost placement, unchanged base first): chr16-56904449-GC-G. GRCh37 (hg19) VCF-style: chr16-56938361-GC-G.
Other names: c.2939del, p.Ala980fs (NM_000339.3); c.2936del, p.Ala979fs (NM_001126107.2); c.2909del, p.Ala970fs (NM_001410896.1); short protein forms A971fs, A970fs, A979fs, A980fs.
Identifiers: ClinVar variation 3639747 (VCV003639747.2).

ClinVar aggregate classification (germline): Pathogenic (1 of 4 stars; one submission).

Submission:

Labcorp Genetics (formerly Invitae), Labcorp
Classification: Pathogenic. Last evaluated: 2024-02-17. Review status: criteria provided, single submitter. Criteria: Invitae Variant Classification Sherloc (09022015). Collection method: clinical testing. Allele origin: germline.
Comment: This sequence change creates a premature translational stop signal (p.Ala980Valfs*9) in the SLC12A3 gene. While this is not anticipated to result in nonsense mediated decay, it is expected to disrupt the last 51 amino acid(s) of the SLC12A3 protein. This variant is not present in population databases (gnomAD no frequency). This variant has not been reported in the literature in individuals affected with SLC12A3-related conditions. This variant disrupts a region of the SLC12A3 protein in which other variant(s) (p.Thr1026Ile) have been determined to be pathogenic (PMID: 18391953, 21415153). This suggests that this is a clinically significant region of the protein, and that variants that disrupt it are likely to be disease-causing. For these reasons, this variant has been classified as Pathogenic.

Literature cited by the submitters: PubMed 18391953; PubMed 21415153.